The following is an entry in ClinVar:

NM_001386298.1(CIC):c.4455T>A (p.Pro1485=)

Gene: CIC (capicua transcriptional repressor; plus strand). Cytogenetic location: 19q13.2.
Variant type: single nucleotide variant.
Coding change: c.4455T>A on transcript NM_001386298.1 (MANE Select); coding-DNA position 4455, T replaced by A.
Protein change: p.Pro1485=; no amino-acid change (proline 1485 retained).
Molecular consequence: synonymous variant.
Genome position (GRCh38, 1-based): chr19:42,290,496, T>A. VCF-style: chr19-42290496-T-A. GRCh37 (hg19) VCF-style: chr19-42794648-T-A.
Other names: c.4455T>A, p.Pro1485= (NM_001304815.2, NM_001379480.1, NM_001379482.1 and 1 more transcripts); c.1728T>A, p.Pro576= (NM_001379484.1, NM_001379485.1, NM_015125.5).
Identifiers: ClinVar variation 2649995 (VCV002649995.24), dbSNP rs2513933525, ClinGen allele CA507703800.

ClinVar aggregate classification (germline): Likely benign (1 of 4 stars; one submission).

Submission:

CeGaT Center for Human Genetics Tuebingen
Classification: Likely benign. Last evaluated: 2023-09-01. Review status: criteria provided, single submitter. Criteria: CeGaT Center For Human Genetics Tuebingen Variant Classification Criteria Version 2. Collection method: clinical testing. Allele origin: germline. Affected: yes. Observed: 2 variant alleles.
Comment: CIC: PM2:Supporting, BP4, BP7